The following is an entry in ClinVar:

ClinVar aggregate classification (germline): Conflicting classifications of pathogenicity. Review status: criteria provided, conflicting classifications (1 of 4 stars). 2 submissions from 2 submitters: Likely pathogenic (1); Uncertain significance (1). Last evaluated 2026-05-12.

gnomAD v4.1: 1 of 1,607,996 alleles (0.000062%); no homozygotes.

Submissions (2):

GeneDx
Classification: Likely pathogenic. Last evaluated: 2026-05-12. Review status: criteria provided, single submitter. Criteria: GeneDx Variant Classification Process June 2021. Collection method: clinical testing. Allele origin: germline.
Comment: Not observed at significant frequency in large population cohorts (gnomAD); In silico analysis supports that this missense variant has a deleterious effect on protein structure/function; Has not been previously published as pathogenic or benign to our knowledge

Ambry Genetics
Classification: Uncertain significance. Last evaluated: 2025-05-25. Review status: criteria provided, single submitter. Criteria: Ambry Variant Classification Scheme 2023. Collection method: clinical testing. Allele origin: germline.

NM_001270.4(CHD1):c.841C>T (p.Arg281Trp)

Gene: CHD1 (chromodomain helicase DNA binding protein 1; minus strand). Cytogenetic location: 5q21.1.
Variant type: single nucleotide variant.
Coding change: c.841C>T on transcript NM_001270.4 (MANE Select); coding-DNA position 841, C replaced by T.
Protein change: p.Arg281Trp; replaces arginine 281 with tryptophan.
Molecular consequence: missense variant. On other transcripts: non-coding transcript variant (2).
Genome position (GRCh38, 1-based): chr5:98,900,829, G>A on the plus strand (C>T on the coding strand, the complement: CHD1 is on the minus strand). VCF-style: chr5-98900829-G-A. GRCh37 (hg19) VCF-style: chr5-98236533-G-A.
Other names: c.841C>T, p.Arg281Trp (NM_001364113.3, NM_001376194.2); short protein forms R281W.
Identifiers: ClinVar variation 3381503 (VCV003381503.3).
Genomic context (GRCh38, chr5:98,900,829, plus strand): 5'-TTATTTAAATAACCAAACAATAAATGGTTTTTTAAAAACTACCTCCTTTTCTCCCAATCC[G>A]ACAATCCATAAATCTTTCTATGGTTTCAAATTCCTCTTCCTCAGGTTGAGGAACATCCTC-3'
Protein context (NP_001261.2, residues 271-291): FETIERFMDC[Arg281Trp]IGRKGATGAT